The following is an entry in ClinVar:

ClinVar aggregate classification (germline): Pathogenic (1 of 4 stars; one submission).

Conditions:
Autosomal recessive Alport syndrome (ATS2). Also called: ALPORT SYNDROME 2, AUTOSOMAL RECESSIVE; COL4A3-Related Nephropathy; COL4A4 Alport Syndrome and Thin Basement Membrane Nephropathy; Alport syndrome type 2. Identifiers: Orphanet 63, Orphanet 88919, MedGen C4746745, MONDO:0008762, OMIM 203780.

gnomAD v4.1: 2 of 1,613,086 alleles (0.00012%); highest among the groups gnomAD compares: Non-Finnish European, 0.00017%; no homozygotes.

Submission:

MVZ Medizinische Genetik Mainz
Classification: Pathogenic for Autosomal recessive Alport syndrome. Last evaluated: 2024-06-27. Review status: criteria provided, single submitter. Criteria: UK Practice Guidelines For Variant Classification V4 01 2020. Collection method: clinical testing. Allele origin: germline. Inheritance: Autosomal dominant inheritance. Affected: yes. Observed: 1 variant allele.
Comment: ACMG Criteria: PVS1_STR,PS1,PM2_SUP,PP4

NM_000092.5(COL4A4):c.4082-1G>C

Gene: COL4A4 (collagen type IV alpha 4 chain; minus strand). Cytogenetic location: 2q36.3.
Variant type: single nucleotide variant.
Coding change: c.4082-1G>C on transcript NM_000092.5 (MANE Select); the canonical splice acceptor site of the intron before coding-DNA position 4082, G replaced by C.
Molecular consequence: splice acceptor variant.
Genome position (GRCh38, 1-based): chr2:227,025,811, C>G on the plus strand (G>C on the coding strand, the complement: COL4A4 is on the minus strand). VCF-style: chr2-227025811-C-G. GRCh37 (hg19) VCF-style: chr2-227890527-C-G.
Identifiers: ClinVar variation 3256900 (VCV003256900.1).